The following is an entry in ClinVar:

NM_032153.6(ZIC4):c.166A>C (p.Ser56Arg)

Gene: ZIC4 (Zic family zinc finger 4; minus strand). Cytogenetic location: 3q24.
Variant type: single nucleotide variant.
Coding change: c.166A>C on transcript NM_032153.6 (MANE Select); coding-DNA position 166, A replaced by C.
Protein change: p.Ser56Arg; replaces serine 56 with arginine.
Molecular consequence: missense variant. On other transcripts: intron variant (1).
Genome position (GRCh38, 1-based): chr3:147,396,374, T>G on the plus strand (A>C on the coding strand, the complement: ZIC4 is on the minus strand). VCF-style: chr3-147396374-T-G. GRCh37 (hg19) VCF-style: chr3-147114161-T-G.
Other names: c.316A>C, p.Ser106Arg (NM_001168378.1); c.280A>C, p.Ser94Arg (NM_001168379.2); c.71-5128A>C (NM_001243256.2); short protein forms S106R, S56R, S94R.
Identifiers: ClinVar variation 3643005 (VCV003643005.2).

ClinVar aggregate classification (germline): Uncertain significance (1 of 4 stars; one submission).

gnomAD v4.1: 1 of 1,543,244 alleles (0.000065%); highest among the groups gnomAD compares: Non-Finnish European, 0.000087%; no homozygotes.

Submission:

Labcorp Genetics (formerly Invitae), Labcorp
Classification: Uncertain significance. Last evaluated: 2024-02-24. Review status: criteria provided, single submitter. Criteria: Invitae Variant Classification Sherloc (09022015). Collection method: clinical testing. Allele origin: germline.
Comment: This sequence change replaces serine, which is neutral and polar, with arginine, which is basic and polar, at codon 106 of the ZIC4 protein (p.Ser106Arg). This variant is not present in population databases (gnomAD no frequency). This variant has not been reported in the literature in individuals affected with ZIC4-related conditions. An algorithm developed to predict the effect of missense changes on protein structure and function (PolyPhen-2) suggests that this variant is likely to be tolerated. In summary, the available evidence is currently insufficient to determine the role of this variant in disease. Therefore, it has been classified as a Variant of Uncertain Significance.